The following is an entry in ClinVar:

ClinVar aggregate classification (germline): Uncertain significance (1 of 4 stars; one submission).

gnomAD v4.1: 4 of 1,613,170 alleles (0.00025%); highest among the groups gnomAD compares: Admixed American, 0.005%; no homozygotes.

Submission:

Labcorp Genetics (formerly Invitae), Labcorp
Classification: Uncertain significance. Last evaluated: 2025-08-20. Review status: criteria provided, single submitter. Criteria: Invitae Variant Classification Sherloc (09022015). Collection method: clinical testing. Allele origin: germline.
Comment: This sequence change replaces lysine, which is basic and polar, with glutamine, which is neutral and polar, at codon 424 of the KCNQ5 protein (p.Lys424Gln). This variant is not present in population databases (gnomAD no frequency). This variant has not been reported in the literature in individuals affected with KCNQ5-related conditions. Invitae Evidence Modeling of protein sequence and biophysical properties (such as structural, functional, and spatial information, amino acid conservation, physicochemical variation, residue mobility, and thermodynamic stability) indicates that this missense variant is not expected to disrupt KCNQ5 protein function with a negative predictive value of 95%. In summary, the available evidence is currently insufficient to determine the role of this variant in disease. Therefore, it has been classified as a Variant of Uncertain Significance.

NM_019842.4(KCNQ5):c.1248-3606A>C

Gene: KCNQ5 (potassium voltage-gated channel subfamily Q member 5; plus strand). Cytogenetic location: 6q13.
Variant type: single nucleotide variant.
Coding change: c.1248-3606A>C on transcript NM_019842.4 (MANE Select); 3606 bases into the intron before coding-DNA position 1248, A replaced by C.
Molecular consequence: intron variant. On other transcripts: missense variant (2).
Genome position (GRCh38, 1-based): chr6:73,129,815, A>C. VCF-style: chr6-73129815-A-C. GRCh37 (hg19) VCF-style: chr6-73839538-A-C.
Other names: c.1243A>C, p.Lys415Gln (NM_001160132.2); c.1270A>C, p.Lys424Gln (NM_001160133.2); c.1247+5303A>C (NM_001160134.2); c.1221-3606A>C (NM_001160130.2); short protein forms K424Q, K415Q.
Identifiers: ClinVar variation 4762981 (VCV004762981.1).